The following is an entry in ClinVar:

NM_001370259.2(MEN1):c.58G>T (p.Val20Leu)

Gene: MEN1 (menin 1; minus strand). Cytogenetic location: 11q13.1.
Variant type: single nucleotide variant.
Coding change: c.58G>T on transcript NM_001370259.2 (MANE Select); coding-DNA position 58, G replaced by T.
Protein change: p.Val20Leu; replaces valine 20 with leucine.
Molecular consequence: missense variant.
Genome position (GRCh38, 1-based): chr11:64,810,052, C>A on the plus strand (G>T on the coding strand, the complement: MEN1 is on the minus strand). VCF-style: chr11-64810052-C-A. GRCh37 (hg19) VCF-style: chr11-64577524-C-A.
Other names: c.58G>T, p.Val20Leu (NM_000244.4, NM_001370251.2, NM_001370260.2 and 9 more transcripts); short protein forms V20L.
Identifiers: ClinVar variation 938644 (VCV000938644.9), dbSNP rs1942022491, ClinGen allele CA381188124.

ClinVar aggregate classification (germline): Uncertain significance (1 of 4 stars; one submission).

Conditions:
Multiple endocrine neoplasia, type 1 (MEN1). Also called: MEN I; WERMER SYNDROME; Endocrine adenomatosis multiple; MEN 1; MEA I. Identifiers: Orphanet 652, MedGen C0025267, MeSH D018761, MONDO:0007540, OMIM 131100.

Submission:

Labcorp Genetics (formerly Invitae), Labcorp
Classification: Uncertain significance for Multiple endocrine neoplasia, type 1. Last evaluated: 2022-01-27. Review status: criteria provided, single submitter. Criteria: Invitae Variant Classification Sherloc (09022015). Collection method: clinical testing. Allele origin: germline.
Comment: This sequence change replaces valine, which is neutral and non-polar, with leucine, which is neutral and non-polar, at codon 20 of the MEN1 protein (p.Val20Leu). Advanced modeling of protein sequence and biophysical properties (such as structural, functional, and spatial information, amino acid conservation, physicochemical variation, residue mobility, and thermodynamic stability) performed at Invitae indicates that this missense variant is expected to disrupt MEN1 protein function. ClinVar contains an entry for this variant (Variation ID: 938644). This variant has not been reported in the literature in individuals affected with MEN1-related conditions. This variant is not present in population databases (gnomAD no frequency). In summary, the available evidence is currently insufficient to determine the role of this variant in disease. Therefore, it has been classified as a Variant of Uncertain Significance.